The following is an entry in ClinVar:

NM_139057.4(ADAMTS17):c.*2228G>C

Gene: ADAMTS17 (ADAM metallopeptidase with thrombospondin type 1 motif 17; minus strand). Cytogenetic location: 15q26.3.
Variant type: single nucleotide variant.
Coding change: c.*2228G>C on transcript NM_139057.4 (MANE Select); 2228 bases downstream of the stop codon, G replaced by C.
Molecular consequence: 3 prime UTR variant.
Genome position (GRCh38, 1-based): chr15:99,972,174, C>G on the plus strand (G>C on the coding strand, the complement: ADAMTS17 is on the minus strand). VCF-style: chr15-99972174-C-G. GRCh37 (hg19) VCF-style: chr15-100512379-C-G.
Identifiers: ClinVar variation 884227 (VCV000884227.4), dbSNP rs541793251, ClinGen allele CA275482579.
Genomic context (GRCh38, chr15:99,972,174, plus strand): 5'-GGTGGTGGGCGCCTGTAGTCCCAGCTACTGGGGAGGGTGAGGCAGAAGAATGGCCTGAAC[C>G]CGGGAGGCGGAGCTTTCAATGAGCTGAGATCGCGCCACTGCACTCCAGCCTGGGCAACAG-3'

ClinVar aggregate classification (germline): Likely benign (1 of 4 stars; one submission).

Conditions:
Weill-Marchesani 4 syndrome, recessive. Also called: Weill-Marchesani syndrome 4. Identifiers: Orphanet 363992, MedGen C2750787, MONDO:0013176, OMIM 613195.

Allele frequency attached by ClinVar (database versions not stated): gnomAD below 0.00001 and 0.00004; TOPMed 0.00002; 1000 Genomes Project 0.00060; 1000 Genomes Project 30x 0.00062.

Submission:

Illumina Laboratory Services, Illumina
Classification: Likely benign for Weill-Marchesani 4 syndrome, recessive. Last evaluated: 2018-01-13. Review status: criteria provided, single submitter. Criteria: ICSL Variant Classification Criteria 13 December 2019. Collection method: clinical testing. Allele origin: germline.
Comment: This variant was observed in the ICSL laboratory as part of a predisposition screen in an ostensibly healthy population. It had not been previously curated by ICSL or reported in the Human Gene Mutation Database (HGMD: prior to June 1st, 2018), and was therefore a candidate for classification through an automated scoring system. Utilizing variant allele frequency, disease prevalence and penetrance estimates, and inheritance mode, an automated score was calculated to assess if this variant is too frequent to cause the disease. Based on the score and internal cut-off values, a variant classified as likely benign is not then subjected to further curation. The score for this variant resulted in a classification of likely benign for this disease.